The following is an entry in ClinVar:

ClinVar aggregate classification (germline): Uncertain significance (1 of 4 stars; one submission).

Conditions:
Cardiovascular phenotype. Identifiers: MedGen CN230736.

Allele frequency attached by ClinVar (database versions not stated): ExAC 0.00001; gnomAD 0.00001; gnomAD exomes 0.00002; TOPMed 0.00003; ESP Exome Variant Server 0.00008.
gnomAD v4.1: 25 of 1,613,388 alleles (0.0015%); highest among the groups gnomAD compares: South Asian, 0.0099%; no homozygotes.

Submission:

Ambry Genetics
Classification: Uncertain significance for Cardiovascular phenotype. Last evaluated: 2022-10-17. Review status: criteria provided, single submitter. Criteria: Ambry Variant Classification Scheme 2023. Collection method: clinical testing. Allele origin: germline.
Comment: The p.R91C variant (also known as c.271C>T), located in coding exon 3 of the EPHB4 gene, results from a C to T substitution at nucleotide position 271. The arginine at codon 91 is replaced by cysteine, an amino acid with highly dissimilar properties. This amino acid position is conserved. In addition, this alteration is predicted to be tolerated by in silico analysis. Since supporting evidence is limited at this time, the clinical significance of this alteration remains unclear.

NM_004444.5(EPHB4):c.271C>T (p.Arg91Cys)

Gene: EPHB4 (EPH receptor B4; minus strand). Cytogenetic location: 7q22.1.
Variant type: single nucleotide variant.
Coding change: c.271C>T on transcript NM_004444.5 (MANE Select); coding-DNA position 271, C replaced by T.
Protein change: p.Arg91Cys; replaces arginine 91 with cysteine.
Molecular consequence: missense variant.
Genome position (GRCh38, 1-based): chr7:100,823,784, G>A on the plus strand (C>T on the coding strand, the complement: EPHB4 is on the minus strand). VCF-style: chr7-100823784-G-A. GRCh37 (hg19) VCF-style: chr7-100421406-G-A.
Other names: short protein forms R91C.
Identifiers: ClinVar variation 1795165 (VCV001795165.2), dbSNP rs367658028, ClinGen allele CA4393353.